The following is an entry in ClinVar:

NM_000093.5(COL5A1):c.1205G>A (p.Gly402Glu)

Gene: COL5A1 (collagen type V alpha 1 chain; plus strand). Cytogenetic location: 9q34.3.
Variant type: single nucleotide variant.
Coding change: c.1205G>A on transcript NM_000093.5 (MANE Select); coding-DNA position 1205, G replaced by A.
Protein change: p.Gly402Glu; replaces glycine 402 with glutamic acid.
Molecular consequence: missense variant.
Genome position (GRCh38, 1-based): chr9:134,731,536, G>A. VCF-style: chr9-134731536-G-A. GRCh37 (hg19) VCF-style: chr9-137623382-G-A.
Other names: c.1205G>A, p.Gly402Glu (NM_001278074.1); short protein forms G402E.
Identifiers: ClinVar variation 4841621 (VCV004841621.1).

ClinVar aggregate classification (germline): Uncertain significance (1 of 4 stars; one submission).

Conditions:
Familial thoracic aortic aneurysm and aortic dissection (TAAD). Also called: Thoracic aortic aneurysms and dissections. Identifiers: Orphanet 91387, MedGen C4707243, MONDO:0019625.

gnomAD v4.1: 1 of 1,614,252 alleles (0.000062%); highest among the groups gnomAD compares: Non-Finnish European, 0.000085%; no homozygotes.

Submission:

Ambry Genetics
Classification: Uncertain significance for Familial thoracic aortic aneurysm and aortic dissection. Last evaluated: 2025-12-29. Review status: criteria provided, single submitter. Criteria: Ambry Variant Classification Scheme 2023. Collection method: clinical testing. Allele origin: germline.
Comment: The p.G402E variant (also known as c.1205G>A), located in coding exon 8 of the COL5A1 gene, results from a G to A substitution at nucleotide position 1205. The glycine at codon 402 is replaced by glutamic acid, an amino acid with similar properties. This amino acid position is not well conserved in available vertebrate species. In addition, this alteration is predicted to be tolerated by in silico analysis. Based on the available evidence, the clinical significance of this variant remains unclear.